The following is an entry in ClinVar:

NM_004990.4(MARS1):c.1293+5G>A

Gene: MARS1 (methionyl-tRNA synthetase 1; plus strand). Cytogenetic location: 12q13.3.
Variant type: single nucleotide variant.
Coding change: c.1293+5G>A on transcript NM_004990.4 (MANE Select); 5 bases into the intron after coding-DNA position 1293, G replaced by A.
Molecular consequence: intron variant.
Genome position (GRCh38, 1-based): chr12:57,500,527, G>A. VCF-style: chr12-57500527-G-A. GRCh37 (hg19) VCF-style: chr12-57894310-G-A.
Other names: c.1293+5G>A (NM_004990.3).
Identifiers: ClinVar variation 1681724 (VCV001681724.7), dbSNP rs1876872609, ClinGen allele CA2038892743.

ClinVar aggregate classification (germline): Uncertain significance. Review status: criteria provided, multiple submitters, no conflicts (2 of 4 stars). 2 submissions from 2 submitters: Uncertain significance (2). Last evaluated 2023-05-11.

Conditions:
Severe early-onset pulmonary alveolar proteinosis due to MARS deficiency. Also called: PULMONARY ALVEOLAR PROTEINOSIS, REUNION ISLAND; Interstitial lung and liver disease. Identifiers: Orphanet 440427, MedGen C4225400, MONDO:0014206, OMIM 615486.
Charcot-Marie-Tooth disease axonal type 2U. Also called: CHARCOT-MARIE-TOOTH NEUROPATHY, TYPE 2U; CHARCOT-MARIE-TOOTH DISEASE, AXONAL, AUTOSOMAL DOMINANT, TYPE 2U. Identifiers: Orphanet 397735, MedGen C4084821, MONDO:0014566, OMIM 616280.

Allele frequency attached by ClinVar (database versions not stated): TOPMed 0.00001.

Submissions (2):

Women's Health and Genetics/Laboratory Corporation of America, LabCorp
Classification: Uncertain significance. Last evaluated: 2023-05-11. Review status: criteria provided, single submitter. Criteria: LabCorp Variant Classification Summary - May 2015. Collection method: clinical testing. Allele origin: germline.
Comment: Variant summary: MARS c.1293+5G>A alters a conserved nucleotide located close to a canonical splice site and therefore could affect mRNA splicing, leading to a significantly altered protein sequence. 4/4 computational tools predict no significant impact on normal splicing. However, these predictions have yet to be confirmed by functional studies. The variant was absent in 249204 control chromosomes. The available data on variant occurrences in the general population are insufficient to allow any conclusion about variant significance. To our knowledge, no occurrence of c.1293+5G>A in individuals affected with MARS1-Related Disorders and no experimental evidence demonstrating its impact on protein function have been reported. One clinical diagnostic laboratory has submitted clinical-significance assessments for this variant to ClinVar after 2014 and classified the variant as uncertain significance. Based on the evidence outlined above, the variant was classified as uncertain significance.

Labcorp Genetics (formerly Invitae), Labcorp
Classification: Uncertain significance for Charcot-Marie-Tooth disease axonal type 2U; Severe early-onset pulmonary alveolar proteinosis due to MARS deficiency. Last evaluated: 2022-11-04. Review status: criteria provided, single submitter. Criteria: Invitae Variant Classification Sherloc (09022015). Collection method: clinical testing. Allele origin: germline.
Comment: In summary, the available evidence is currently insufficient to determine the role of this variant in disease. Therefore, it has been classified as a Variant of Uncertain Significance. Variants that disrupt the consensus splice site are a relatively common cause of aberrant splicing (PMID: 17576681, 9536098). Algorithms developed to predict the effect of sequence changes on RNA splicing suggest that this variant is not likely to affect RNA splicing. ClinVar contains an entry for this variant (Variation ID: 1681724). This variant has not been reported in the literature in individuals affected with MARS-related conditions. This variant is not present in population databases (gnomAD no frequency). This sequence change falls in intron 10 of the MARS gene. It does not directly change the encoded amino acid sequence of the MARS protein. It affects a nucleotide within the consensus splice site.

Literature cited by the submitters: PubMed 17576681 (cited by Labcorp Genetics (formerly Invitae), Labcorp); PubMed 9536098 (cited by Labcorp Genetics (formerly Invitae), Labcorp).